The following is an entry in ClinVar:

ClinVar aggregate classification (germline): Likely benign. Review status: criteria provided, single submitter (1 of 4 stars). 2 submissions from 2 submitters: Likely benign (1). 1 of the submissions does not count toward it. Last evaluated 2022-07-09.

Conditions:
Ulnar-mammary syndrome (UMS). Also called: SCHINZEL SYNDROME; PALLISTER ULNAR-MAMMARY SYNDROME; Ulnar-mammary syndrome of Pallister. Identifiers: Orphanet 3138, MedGen C1866994, MONDO:0008411, OMIM 181450.
TBX3-related disorder. Also called: TBX3-related condition.

Allele frequency attached by ClinVar (database versions not stated): TOPMed 0.00001.
gnomAD v4.1: 1 of 1,611,870 alleles (0.000062%); highest among the groups gnomAD compares: Non-Finnish European, 0.000085%; no homozygotes.

Submissions (2):

Labcorp Genetics (formerly Invitae), Labcorp
Classification: Likely benign for Ulnar-mammary syndrome. Last evaluated: 2022-07-09. Review status: criteria provided, single submitter. Criteria: Invitae Variant Classification Sherloc (09022015). Collection method: clinical testing. Allele origin: germline.

PreventionGenetics, part of Exact Sciences
Classification: Likely benign for TBX3-related condition. Last evaluated: 2024-09-16. Review status: no assertion criteria provided. Collection method: clinical testing. Allele origin: germline. Not counted in ClinVar's aggregate classification.
Comment: This variant is classified as likely benign based on ACMG/AMP sequence variant interpretation guidelines (Richards et al. 2015 PMID: 25741868, with internal and published modifications).

NM_005996.4(TBX3):c.24G>T (p.Pro8=)

Genes: TBX3 (T-box transcription factor 3; minus strand), TBX3-AS1 (TBX3 antisense RNA 1; plus strand). Cytogenetic location: 12q24.21.
Variant type: single nucleotide variant.
Coding change: c.24G>T on transcript NM_005996.4 (MANE Select); coding-DNA position 24, G replaced by T.
Protein change: p.Pro8=; no amino-acid change (proline 8 retained).
Molecular consequence: synonymous variant.
Genome position (GRCh38, 1-based): chr12:114,683,177, C>A on the plus strand (G>T on the coding strand, the complement: TBX3 is on the minus strand). VCF-style: chr12-114683177-C-A. GRCh37 (hg19) VCF-style: chr12-115120982-C-A.
Other names: c.24G>T, p.Pro8= (NM_016569.4); c.24G>T (NM_016569.3).
Identifiers: ClinVar variation 2012986 (VCV002012986.5), dbSNP rs1337033416, ClinGen allele CA481933404.
Genomic context (GRCh38, chr12:114,683,177, plus strand): 5'-GAAGTCCGGCGCCCGGTGAGGTAGGAACGGATGGTAGGCCATGCTTGTCCCAGGAATGAC[C>A]GGATCTCTCATGGAGAGGCTCATCCACTCCAGGCGGGGCGCTGGGCTCCAGCCGGGGACA-3'
Protein context (NP_005987.3, residues 1-18): MSLSMRD[Pro8=]VIPGTSMAYH